The following is an entry in ClinVar:

ClinVar aggregate classification (germline): Uncertain significance. Review status: reviewed by expert panel (3 of 4 stars). 5 submissions from 5 submitters: Uncertain significance (1). 4 of the submissions do not count toward it. Last evaluated 2025-07-24.

Conditions:
Maturity-onset diabetes of the young (MODY). Also called: Maturity onset diabetes mellitus in young. Identifiers: Orphanet 552, MedGen C0342276, MONDO:0018911, HP:0004904.
Maturity-onset diabetes of the young type 3. Also called: MODY type 3; MODY, type III. Identifiers: Orphanet 552, MedGen C1838100, MeSH C563933, MONDO:0010894, OMIM 600496. Disease mechanism: loss of function.
Monogenic diabetes. Identifiers: Orphanet 183625, MedGen C3888631, MONDO:0015967.

Allele frequency attached by ClinVar (database versions not stated): gnomAD 0.00001; TOPMed 0.00001; gnomAD exomes below 0.00001.

Submissions (5):

ClinGen Monogenic Diabetes Variant Curation Expert Panel
Classification: Uncertain significance for Monogenic diabetes. Last evaluated: 2025-07-24. Review status: reviewed by expert panel. Criteria: ClinGen Diabetes ACMG Specifications HNF1A V3.0.0. Collection method: curation. Allele origin: germline. Inheritance: Autosomal dominant inheritance.
Comment: The c.50T>A variant in the HNF1 homeobox A gene, HNF1A, causes an amino acid change of leucine to histidine at codon 17 (p.(Leu17His)) of NM_000545.6. This variant is located within the dimerization domain (codons 1-32) of HNF1A, which is defined as critical for the protein’s function by the ClinGen MDEP (PM1_Supporting). Additionally, this variant is predicted to be deleterious by computational evidence, with a REVEL score of 0.959, which is greater than the MDEP threshold of 0.70 (PP3). This variant was observed in three unrelated individuals with non-autoimmune and non-absolute/near-absolute insulin deficient diabetes; however, PS4_Moderate cannot be applied because the minimum number of cases is not met (PMID: 21683639, 26479152, internal lab contributor). This variant segregated with diabetes, with 3 informative meioses in 2 families (PP1_Moderate; internal lab contributors). This variant has a gnomAD v4.1.0 Grpmax filtering allele frequency of 7.900e-7, which is below the ClinGen MDEP threshold for PM2_Supporting (≤ 0.000003) (PM2_Supporting). Another missense variant, c.49C>G (p.Leu17Val), has been classified as a VUS by the ClinGen MDEP; therefore, PM5 will not be applied. In summary, this variant meets the criteria to be classified as a variant of uncertain significance for monogenic diabetes. ACMG/AMP criteria applied, as specified by the ClinGen MDEP (specification version 3.0.0, approved 6/30/2025): PM1_Supporting, PM2_Supporting, PP3, PP1_Moderate.

Women's Health and Genetics/Laboratory Corporation of America, LabCorp
Classification: Uncertain significance. Last evaluated: 2023-03-12. Review status: criteria provided, single submitter. Criteria: LabCorp Variant Classification Summary - May 2015. Collection method: clinical testing. Allele origin: germline. Not counted in ClinVar's aggregate classification.
Comment: Variant summary: HNF1A c.50T>A (p.Leu17His) results in a non-conservative amino acid change located in the Hepatocyte nuclear factor 1, N-terminal domain (IPR006899) of the encoded protein sequence. Five of five in-silico tools predict a damaging effect of the variant on protein function. The variant was absent in 247862 control chromosomes. The available data on variant occurrences in the general population are insufficient to allow any conclusion about variant significance. c.50T>A has been reported in the literature in individuals affected with features of HNF1A-MODY (Maturity Onset Diabetes Of The Young 3) (example, PMID: 26479152, 18003757, 21683639). These report(s) do not provide unequivocal conclusions about association of the variant with Maturity Onset Diabetes Of The Young 3. To our knowledge, no experimental evidence demonstrating an impact on protein function has been reported. Two clinical diagnostic laboratories and an expert panel (ClinGen Monogenic Diabetes Variant Curation Expert Panel) have submitted clinical-significance assessments for this variant to ClinVar after 2014 without evidence for independent evaluation. All submitters classified the variant as uncertain significance. Based on the evidence outlined above, the variant was classified as uncertain significance.

Labcorp Genetics (formerly Invitae), Labcorp
Classification: Uncertain significance. Last evaluated: 2021-01-02. Review status: criteria provided, single submitter. Criteria: Invitae Variant Classification Sherloc (09022015). Collection method: clinical testing. Allele origin: germline. Not counted in ClinVar's aggregate classification.
Comment: In summary, the available evidence is currently insufficient to determine the role of this variant in disease. Therefore, it has been classified as a Variant of Uncertain Significance. Advanced modeling of protein sequence and biophysical properties (such as structural, functional, and spatial information, amino acid conservation, physicochemical variation, residue mobility, and thermodynamic stability) performed at Invitae indicates that this missense variant is expected to disrupt HNF1A protein function. This variant has been observed in individual(s) with maturity onset diabetes of the young (PMID: 21683639). ClinVar contains an entry for this variant (Variation ID: 972749). This variant is not present in population databases (ExAC no frequency). This sequence change replaces leucine with histidine at codon 17 of the HNF1A protein (p.Leu17His). The leucine residue is highly conserved and there is a moderate physicochemical difference between leucine and histidine.

Broad Center for Mendelian Genomics, Broad Institute of MIT and Harvard
Classification: Uncertain significance for Maturity-onset diabetes of the young type 3. Last evaluated: 2020-01-22. Review status: criteria provided, single submitter. Criteria: ACMG Guidelines, 2015. Collection method: curation. Allele origin: germline. Inheritance: Autosomal dominant inheritance. Not counted in ClinVar's aggregate classification.
Comment: The p.Leu17His variant in HNF1A has been reported in 2 individuals with maturity-onset diabetes of the young, segregated with disease in 2 affected relatives from 1 family (PMID: 21683639, 26479152), and has been identified in 0.0065% (1/15378) of European (non-Finnish) chromosomes by the Genome Aggregation Database (gnomAD; dbSNP rs1480672278). Computational prediction tools and conservation analyses suggest that this variant may impact the protein, though this information is not predictive enough to determine pathogenicity. In summary, the clinical significance of the p.Leu17His variant is uncertain. ACMG/AMP Criteria applied: BS1, PP3 (Richards 2015).

Clinical Genomics, Uppaluri K&H Personalized Medicine Clinic
Classification: Likely pathogenic for Maturity-onset diabetes of the young. Review status: criteria provided, single submitter. Criteria: K & H Uppaluri Personalized Medicine Clinic Variant Classification & Assertion Criteria_Updated V.1. Collection method: research. Allele origin: unknown. Inheritance: Autosomal dominant inheritance. Not counted in ClinVar's aggregate classification.
Comment: Mutations in HNF1A gene can predispose to MODY3. It is associated with both micro and macrovascular complications of diabetes, especially cardiovascular complications. Associated with glucosuria. May respond well to sulfonylureas. Sufficient evidence is found to confer the association of this particular variant rs1480672278 with MODY3.

Literature cited by the submitters: PubMed 21683639 (cited by 4 submitters); PubMed 26479152 (cited by ClinGen Monogenic Diabetes Variant Curation Expert Panel and Women's Health and Genetics/Laboratory Corporation of America, LabCorp); PubMed 18003757 (cited by Women's Health and Genetics/Laboratory Corporation of America, LabCorp); PubMed 23803251 (cited by Clinical Genomics, Uppaluri K&H Personalized Medicine Clinic).

NM_000545.8(HNF1A):c.50T>A (p.Leu17His)

Gene: HNF1A (HNF1 homeobox A; plus strand). Cytogenetic location: 12q24.31.
Variant type: single nucleotide variant.
Coding change: c.50T>A on transcript NM_000545.8 (MANE Select); coding-DNA position 50, T replaced by A.
Protein change: p.Leu17His; replaces leucine 17 with histidine.
Molecular consequence: missense variant.
Genome position (GRCh38, 1-based): chr12:120,978,818, T>A. VCF-style: chr12-120978818-T-A. GRCh37 (hg19) VCF-style: chr12-121416621-T-A.
Other names: NM_000545.8(HNF1A):c.50T>A; p.Leu17His; c.50T>A, p.Leu17His (NM_001306179.2); c.50T>A (NM_000545.6); short protein forms L17H.
Identifiers: ClinVar variation 972749 (VCV000972749.15), dbSNP rs1480672278, ClinGen allele CA386952521.
Genomic context (GRCh38, chr12:120,978,818, plus strand): 5'-GCAGCCGAGCCATGGTTTCTAAACTGAGCCAGCTGCAGACGGAGCTCCTGGCGGCCCTGC[T>A]CGAGTCAGGGCTGAGCAAAGAGGCACTGATCCAGGCACTGGGTGAGCCGGGGCCCTACCT-3'
Protein context (NP_000536.6, residues 7-27): QLQTELLAAL[Leu17His]ESGLSKEALI